The following is an entry in ClinVar:

ClinVar aggregate classification (germline): Pathogenic (1 of 4 stars; one submission).

Conditions:
Marfan syndrome (MFS). Also called: MARFAN SYNDROME, TYPE I; Marfan syndrome type 1; Marfan's syndrome; Marfan syndrome, classic; FBN1-Related Marfan Syndrome. Identifiers: Orphanet 284963, Orphanet 558, MedGen C0024796, MONDO:0007947, OMIM 154700.
Familial thoracic aortic aneurysm and aortic dissection (TAAD). Also called: Thoracic aortic aneurysms and dissections. Identifiers: Orphanet 91387, MedGen C4707243, MONDO:0019625.

Submission:

Labcorp Genetics (formerly Invitae), Labcorp
Classification: Pathogenic for Marfan syndrome; Familial thoracic aortic aneurysm and aortic dissection. Last evaluated: 2021-07-13. Review status: criteria provided, single submitter. Criteria: Invitae Variant Classification Sherloc (09022015). Collection method: clinical testing. Allele origin: germline.
Comment: This sequence change creates a premature translational stop signal (p.Gly1838Alafs*55) in the FBN1 gene. It is expected to result in an absent or disrupted protein product. Loss-of-function variants in FBN1 are known to be pathogenic (PMID: 17657824, 19293843). This variant is not present in population databases (ExAC no frequency). This variant has not been reported in the literature in individuals affected with FBN1-related conditions. For these reasons, this variant has been classified as Pathogenic.

Literature cited by the submitters: PubMed 17657824; PubMed 19293843.

NM_000138.5(FBN1):c.5513del (p.Gly1838fs)

Gene: FBN1 (fibrillin 1; minus strand). Cytogenetic location: 15q21.1.
Variant type: Deletion.
Coding change: c.5513del on transcript NM_000138.5 (MANE Select); coding-DNA position 5513, one base deleted (G; older notation c.5513delG).
Protein change: p.Gly1838fs; shifts the reading frame from glycine 1838.
Molecular consequence: frameshift variant.
Genome position (GRCh38, 1-based): chr15:48,452,594, C deleted on the plus strand (G on the coding strand, the reverse complement: FBN1 is on the minus strand); the first of 2 consecutive C bases (chr15:48,452,594-48,452,595); deleting either gives the same sequence. VCF-style (leftmost placement, unchanged base first): chr15-48452593-GC-G. GRCh37 (hg19) VCF-style: chr15-48744790-GC-G.
Other names: short protein forms G1838fs.
Identifiers: ClinVar variation 1428317 (VCV001428317.6), dbSNP rs2141255941, ClinGen allele CA2573150916.